The following is an entry in ClinVar:

NM_183357.3(ADCY5):c.352C>G (p.Gln118Glu)

Gene: ADCY5 (adenylate cyclase 5; minus strand). Cytogenetic location: 3q21.1.
Variant type: single nucleotide variant.
Coding change: c.352C>G on transcript NM_183357.3 (MANE Select); coding-DNA position 352, C replaced by G.
Protein change: p.Gln118Glu; replaces glutamine 118 with glutamic acid.
Molecular consequence: missense variant.
Genome position (GRCh38, 1-based): chr3:123,448,194, G>C on the plus strand (C>G on the coding strand, the complement: ADCY5 is on the minus strand). VCF-style: chr3-123448194-G-C. GRCh37 (hg19) VCF-style: chr3-123167041-G-C.
Other names: c.352C>G, p.Gln118Glu (NM_001378259.1); short protein forms Q118E.
Identifiers: ClinVar variation 1710034 (VCV001710034.2), dbSNP rs2473328293, ClinGen allele CA354358249.

ClinVar aggregate classification (germline): Uncertain significance (1 of 4 stars; one submission).

Conditions:
Dyskinesia with orofacial involvement, autosomal dominant (DSKOD). Also called: Dyskinesia, familial, with facial myokymia; Familial dyskinesia and facial myokymia; Familial Dyskinesia with Facial Myokymia (FDFM). Identifiers: Orphanet 324588, MedGen C1847627, MONDO:0800028, OMIM 606703.

Submission:

MGZ Medical Genetics Center
Classification: Uncertain significance for Dyskinesia with orofacial involvement, autosomal dominant. Last evaluated: 2021-10-19. Review status: criteria provided, single submitter. Criteria: ACMG Guidelines, 2015. Collection method: clinical testing. Allele origin: germline. Affected: yes. Observed: 1 variant allele.
Comment: ACMG criteria applied: PM2_SUP, PP2